The following is an entry in ClinVar:

NM_001374828.1(ARID1B):c.615GCA[10] (p.Gln214_His215insGlnGlnGln)

Genes: ARID1B (AT-rich interaction domain 1B; plus strand), LOC115308161 (uncharacterized LOC115308161; minus strand). Cytogenetic location: 6q25.3.
Variant type: Microsatellite.
Coding change: c.615GCA[10] on transcript NM_001374828.1 (MANE Select); ten copies in a row of the 3-base unit GCA starting at c.615; the reference has seven copies in a row; three copies, 9 bases duplicated.
Protein change: p.Gln214_His215insGlnGlnGln.
Molecular consequence: inframe insertion. On other transcripts: non-coding transcript variant (1).
Genome position (GRCh38, 1-based): chr6:156,778,307-156,778,315, GCAGCAGCA duplicated; duplicating any 9 consecutive bases within chr6:156,778,293-156,778,315 gives the same sequence; the position shown is the placement nearest the transcript's 3' end. VCF-style (leftmost placement, unchanged base first): chr6-156778292-A-ACAGCAGCAG. GRCh37 (hg19) VCF-style: chr6-157099426-A-ACAGCAGCAG.
Other names: c.378_386dup (NM_020732.3); c.378_386dup9 (NM_020732.3); c.615GCA[10], p.Gln214_His215insGlnGlnGln (NM_001371656.1, NM_001374820.1, NM_017519.3).
Identifiers: ClinVar variation 588939 (VCV000588939.19), dbSNP rs587779744, ClinGen allele CA571907145.

ClinVar aggregate classification (germline): Benign/Likely benign. Review status: criteria provided, multiple submitters, no conflicts (2 of 4 stars). 6 submissions from 6 submitters: Benign (1); Likely benign (3). 2 of the submissions do not count toward it. Last evaluated 2025-10-17.

Conditions:
ARID1B-Related Disorder. Identifiers: MedGen CN381337.
Inborn genetic diseases. Identifiers: MedGen C0950123, MeSH D030342.
Intellectual disability. Also called: intellectual disabilities; Intellectual developmental disorder; Intellectual functioning disability. Identifiers: MedGen C3714756, MeSH D008607, MONDO:0001071, HP:0001249.

Submissions (6):

Labcorp Genetics (formerly Invitae), Labcorp
Classification: Likely benign. Last evaluated: 2025-10-17. Review status: criteria provided, single submitter. Criteria: Invitae Variant Classification Sherloc (09022015). Collection method: clinical testing. Allele origin: germline.

Blueprint Genetics
Classification: Likely benign. Last evaluated: 2024-11-06. Review status: criteria provided, single submitter. Criteria: ACMG Guidelines, 2015. Collection method: clinical testing. Allele origin: germline.

GeneDx
Classification: Benign. Last evaluated: 2021-06-11. Review status: criteria provided, single submitter. Criteria: GeneDx Variant Classification Process June 2021. Collection method: clinical testing. Allele origin: germline. Affected: yes.

Ambry Genetics
Classification: Likely benign for Inborn genetic diseases. Last evaluated: 2017-04-06. Review status: criteria provided, single submitter. Criteria: Ambry Variant Classification Scheme 2023. Collection method: clinical testing. Allele origin: germline.

PreventionGenetics, part of Exact Sciences
Classification: Likely benign for ARID1B-related condition. Last evaluated: 2023-08-16. Review status: no assertion criteria provided. Collection method: clinical testing. Allele origin: germline. Not counted in ClinVar's aggregate classification.
Comment: This variant is classified as likely benign based on ACMG/AMP sequence variant interpretation guidelines (Richards et al. 2015 PMID: 25741868, with internal and published modifications).

Centre de Biologie Pathologie Génétique, Centre Hospitalier Universitaire de Lille
Classification: Likely benign for Intellectual disability. Last evaluated: 2019-01-01. Review status: no assertion criteria provided. Collection method: clinical testing. Allele origin: inherited. Affected: yes. Not counted in ClinVar's aggregate classification.